The following is an entry in ClinVar:

NM_000222.3(KIT):c.1455C>T (p.His485=)

Gene: KIT (KIT proto-oncogene, receptor tyrosine kinase; plus strand). Cytogenetic location: 4q12.
Variant type: single nucleotide variant.
Coding change: c.1455C>T on transcript NM_000222.3 (MANE Select); coding-DNA position 1455, C replaced by T.
Protein change: p.His485=; no amino-acid change (histidine 485 retained).
Molecular consequence: synonymous variant.
Genome position (GRCh38, 1-based): chr4:54,725,965, C>T. VCF-style: chr4-54725965-C-T. GRCh37 (hg19) VCF-style: chr4-55592131-C-T.
Other names: c.1455C>T, p.His485= (NM_001093772.2, NM_001385285.1, NM_001385286.1); c.1458C>T, p.His486= (NM_001385284.1, NM_001385288.1, NM_001385290.1 and 1 more transcripts).
Identifiers: ClinVar variation 1112535 (VCV001112535.12), dbSNP rs1331885453, ClinGen allele CA439290694.

ClinVar aggregate classification (germline): Benign/Likely benign. Review status: criteria provided, multiple submitters, no conflicts (2 of 4 stars). 3 submissions from 3 submitters: Benign (1); Likely benign (2). Last evaluated 2026-06-03.

Conditions:
Gastrointestinal stromal tumor. Also called: Gastrointestinal stroma tumor; Gastrointestinal stromal tumor, somatic. Identifiers: Orphanet 44890, MedGen C0238198, MeSH D046152, MONDO:0011719, OMIM 606764, HP:0100723.
Hereditary cancer-predisposing syndrome. Also called: Neoplastic Syndromes, Hereditary; Hereditary Cancer Syndrome; Hereditary neoplastic syndrome; Tumor predisposition. Identifiers: Orphanet 140162, MedGen C0027672, MeSH D009386, MONDO:0015356.

Allele frequency attached by ClinVar (database versions not stated): gnomAD exomes below 0.00001.
gnomAD v4.1: 2 of 1,614,110 alleles (0.00012%); highest among the groups gnomAD compares: African/African-American, 0.0013%; no homozygotes.

Submissions (3):

Myriad Genetics, Inc.
Classification: Benign for Gastrointestinal stromal tumor. Last evaluated: 2026-06-03. Review status: criteria provided, single submitter. Criteria: Myriad Autosomal Dominant, Autosomal Recessive and X-Linked Classification Criteria (2023). Collection method: clinical testing. Allele origin: unknown.
Comment: This variant is considered benign. This variant is a silent/synonymous amino acid change and it is not expected to impact splicing.

Labcorp Genetics (formerly Invitae), Labcorp
Classification: Likely benign for Gastrointestinal stromal tumor. Last evaluated: 2025-11-09. Review status: criteria provided, single submitter. Criteria: Invitae Variant Classification Sherloc (09022015). Collection method: clinical testing. Allele origin: germline.

Ambry Genetics
Classification: Likely benign for Hereditary cancer-predisposing syndrome. Last evaluated: 2022-08-23. Review status: criteria provided, single submitter. Criteria: Ambry Variant Classification Scheme 2023. Collection method: clinical testing. Allele origin: germline.